The following is an entry in ClinVar:

ClinVar aggregate classification (germline): Likely benign (0 of 4 stars; one submission).

Conditions:
NTRK2-related disorder. Also called: NTRK2-related condition.

Submission:

PreventionGenetics, part of Exact Sciences
Classification: Likely benign for NTRK2-related condition. Last evaluated: 2023-06-16. Review status: no assertion criteria provided. Collection method: clinical testing. Allele origin: germline.
Comment: This variant is classified as likely benign based on ACMG/AMP sequence variant interpretation guidelines (Richards et al. 2015 PMID: 25741868, with internal and published modifications).

NM_006180.6(NTRK2):c.1656T>C (p.His552=)

Gene: NTRK2 (neurotrophic receptor tyrosine kinase 2; plus strand). Cytogenetic location: 9q21.33.
Variant type: single nucleotide variant.
Coding change: c.1656T>C on transcript NM_006180.6 (MANE Select); coding-DNA position 1656, T replaced by C.
Protein change: p.His552=; no amino-acid change (histidine 552 retained).
Molecular consequence: synonymous variant.
Genome position (GRCh38, 1-based): chr9:84,934,184, T>C. VCF-style: chr9-84934184-T-C. GRCh37 (hg19) VCF-style: chr9-87549099-T-C.
Other names: c.1608T>C, p.His536= (NM_001018064.3, NM_001369532.1, NM_001369533.1); c.1572T>C, p.His524= (NM_001369534.1); c.1140T>C, p.His380= (NM_001369535.1); c.1188T>C, p.His396= (NM_001369536.1).
Identifiers: ClinVar variation 3354418 (VCV003354418.1).
Genomic context (GRCh38, chr9:84,934,184, plus strand): 5'-GCTTCAATTCCAATTTCCATTCTGTCTTTGTTTTGCAGTTGTTCAGCACATCAAGCGACA[T>C]AACATTGTTCTGAAAAGGGAGCTAGGCGAAGGAGCCTTTGGAAAAGTGTTCCTAGCTGAA-3'
Protein context (NP_006171.2, residues 542-562): PDTFVQHIKR[His552=]NIVLKRELGE